The following is an entry in ClinVar:

ClinVar aggregate classification (germline): Uncertain significance (1 of 4 stars; one submission).

Conditions:
THOC6-related developmental delay-microcephaly-facial dysmorphism syndrome. Also called: Microcephaly, mental retardation, and distinctive facies, with cardiac and genitourinary malformations; Beaulieu-Boycott-Innes syndrome; THOC6 Intellectual Disability Syndrome. Identifiers: Orphanet 363444, MedGen C3150939, MONDO:0013362, OMIM 613680.

Submission:

Victorian Clinical Genetics Services, Murdoch Childrens Research Institute
Classification: Uncertain significance for THOC6-related developmental delay-microcephaly-facial dysmorphism syndrome. Last evaluated: 2025-06-30. Review status: criteria provided, single submitter. Criteria: ACMG Guidelines, 2015. Collection method: clinical testing. Allele origin: germline. Affected: yes.
Comment: This variant is classified as VUS-3A. Evidence in support of pathogenic classification: Variant is predicted to result in a truncated protein (premature termination codon is NOT located at least 54 nucleotides upstream of the final exon-exon junction) with less than 1/3 of the protein sequence affected; Variant is present in gnomAD <0.01 for a recessive condition (v4: 5 heterozygote(s), 0 homozygote(s)); Heterozygous variant detected in trans with two PATHOGENIC variants (NM_024339.5(THOC6):c.824G>A; p.(Gly275Asp) and NM_024339.5(THOC6):c.298T>A; p.(Trp100Arg)) in a recessive disease. Additional information: This variant is heterozygous; This gene is associated with autosomal recessive disease; This variant has no previous evidence of pathogenicity; No published evidence of segregation with disease has been identified for this variant; No published functional evidence has been identified for this variant; No comparable protein truncating variants have previous evidence for pathogenicity; Variant is predicted to truncate part of the WD repeat domain (PMID: 38388531); Loss of function is a known mechanism of disease in this gene and is associated with Beaulieu-Boycott-Innes syndrome (MIM#613680).

Literature cited by the submitters: PubMed 38388531.

NM_024339.5(THOC6):c.944del (p.Lys315fs)

Gene: THOC6 (THO complex subunit 6; plus strand). Cytogenetic location: 16p13.3.
Variant type: Deletion.
Coding change: c.944del on transcript NM_024339.5 (MANE Select); coding-DNA position 944, one base deleted (A; older notation c.944delA).
Protein change: p.Lys315fs; shifts the reading frame from lysine 315.
Molecular consequence: frameshift variant. On other transcripts: intron variant (1).
Genome position (GRCh38, 1-based): chr16:3,027,499, A deleted; the last of 2 consecutive A bases (chr16:3,027,498-3,027,499); deleting either gives the same sequence. VCF-style (leftmost placement, unchanged base first): chr16-3027497-CA-C. GRCh37 (hg19) VCF-style: chr16-3077498-CA-C.
Other names: c.872del, p.Lys291fs (NM_001347703.2); c.944del, p.Lys315fs (NM_001347704.2); c.811-78del (NM_001142350.3); short protein forms K291fs, K315fs.
Identifiers: ClinVar variation 4531604 (VCV004531604.1).